The following is an entry in ClinVar:

NM_005120.3(MED12):c.6348_6359dup (p.His2116_Gln2119dup)

Gene: MED12 (mediator complex subunit 12; plus strand). Cytogenetic location: Xq13.1.
Variant type: Duplication.
Coding change: c.6348_6359dup on transcript NM_005120.3 (MANE Select); coding-DNA positions 6348 to 6359, 12 bases duplicated (CCAGCAGCAACA).
Protein change: p.His2116_Gln2119dup.
Molecular consequence: inframe insertion.
Genome position (GRCh38, 1-based): chrX:71,141,310-71,141,321, CCAGCAGCAACA duplicated; duplicating any 12 consecutive bases within chrX:71,141,302-71,141,321 gives the same sequence; the c. name uses the placement nearest the transcript's 3' end. VCF-style (leftmost placement, unchanged base first): chrX-71141301-A-ACAGCAACACCAG. GRCh37 (hg19) VCF-style: chrX-70361151-A-ACAGCAACACCAG.
Other names: p.His2116_Gln2119dup.
Identifiers: ClinVar variation 95256 (VCV000095256.36), dbSNP rs398124200, ClinGen allele CA249211.

ClinVar aggregate classification (germline): Benign/Likely benign. Review status: criteria provided, multiple submitters, no conflicts (2 of 4 stars). 13 submissions from 13 submitters: Benign (7); Likely benign (2). 4 of the submissions do not count toward it. Last evaluated 2026-02-04.

Conditions:
FG syndrome (FGS). Identifiers: MedGen C0220769, MONDO:0002010.
Cardiovascular phenotype. Identifiers: MedGen CN230736.

Submissions (13):

Labcorp Genetics (formerly Invitae), Labcorp
Classification: Benign for FG syndrome. Last evaluated: 2026-02-04. Review status: criteria provided, single submitter. Criteria: Invitae Variant Classification Sherloc (09022015). Collection method: clinical testing. Allele origin: germline.

Blueprint Genetics
Classification: Likely benign. Last evaluated: 2024-11-28. Review status: criteria provided, single submitter. Criteria: ACMG Guidelines, 2015. Collection method: clinical testing. Allele origin: germline.

Mayo Clinic Laboratories, Mayo Clinic
Classification: Benign. Last evaluated: 2022-04-26. Review status: criteria provided, single submitter. Criteria: ACMG Guidelines, 2015. Collection method: clinical testing. Allele origin: germline. Observed: 26 variant alleles.

Ambry Genetics
Classification: Benign for Cardiovascular phenotype. Last evaluated: 2017-08-01. Review status: criteria provided, single submitter. Criteria: Ambry Autosomal Dominant and X-Linked criteria (3/2017). Collection method: clinical testing. Allele origin: germline. Observed: 1 variant allele.
Comment: General population or subpopulation frequency is too high to be a pathogenic mutation based on disease/syndrome prevalence and penetrance;Other strong data supporting benign classification

Genomic Diagnostic Laboratory, Division of Genomic Diagnostics, Children's Hospital of Philadelphia
Classification: Benign. Last evaluated: 2015-10-31. Review status: criteria provided, single submitter. Criteria: DGD Variant Analysis Guidelines. Collection method: clinical testing. Allele origin: unknown.

Genetic Services Laboratory, University of Chicago
Classification: Benign. Last evaluated: 2015-09-29. Review status: criteria provided, single submitter. Criteria: ACMG Guidelines, 2015. Collection method: clinical testing. Allele origin: germline. Affected: no.

GeneDx
Classification: Benign. Last evaluated: 2015-03-03. Review status: criteria provided, single submitter. Criteria: GeneDx Variant Classification (06012015). Collection method: clinical testing. Allele origin: germline. Affected: yes.
Comment: This variant was found in TAADV2-PANCARD,TAAD,TAADV2-1,MACRO-BRAIN

Eurofins Ntd Llc (ga)
Classification: Benign. Last evaluated: 2014-07-09. Review status: criteria provided, single submitter. Criteria: EGL Classification Definitions. Collection method: clinical testing. Allele origin: germline. Observed: 18 variant alleles, 1 heterozygote, 17 hemizygotes.

PreventionGenetics, part of Exact Sciences
Classification: Likely benign. Review status: criteria provided, single submitter. Criteria: ACMG Guidelines, 2015. Collection method: clinical testing. Allele origin: germline.

Clinical Genetics DNA and cytogenetics Diagnostics Lab, Erasmus MC, Erasmus Medical Center
Classification: Benign. Review status: no assertion criteria provided. Collection method: clinical testing. Allele origin: germline. Affected: yes. Study: VKGL Data-share Consensus. Not counted in ClinVar's aggregate classification.

Diagnostic Laboratory, Department of Genetics, University Medical Center Groningen
Classification: Benign. Review status: no assertion criteria provided. Collection method: clinical testing. Allele origin: germline. Affected: yes. Study: VKGL Data-share Consensus. Not counted in ClinVar's aggregate classification.

Genome Diagnostics Laboratory, University Medical Center Utrecht
Classification: Likely benign. Review status: no assertion criteria provided. Collection method: clinical testing. Allele origin: germline. Affected: yes. Study: VKGL Data-share Consensus. Not counted in ClinVar's aggregate classification.

Laboratory of Diagnostic Genome Analysis, Leiden University Medical Center (LUMC)
Classification: Likely benign. Review status: no assertion criteria provided. Collection method: clinical testing. Allele origin: germline. Affected: yes. Study: VKGL Data-share Consensus. Not counted in ClinVar's aggregate classification.

Literature cited by the submitters: PubMed 10982179 (cited by Eurofins Ntd Llc (ga)); PubMed 23757202 (cited by Eurofins Ntd Llc (ga)).